The following is an entry in ClinVar:

NM_004722.4(AP4M1):c.866A>G (p.Asp289Gly)

Gene: AP4M1 (adaptor related protein complex 4 subunit mu 1; plus strand). Cytogenetic location: 7q22.1.
Variant type: single nucleotide variant.
Coding change: c.866A>G on transcript NM_004722.4 (MANE Select); coding-DNA position 866, A replaced by G.
Protein change: p.Asp289Gly; replaces aspartic acid 289 with glycine.
Molecular consequence: missense variant.
Genome position (GRCh38, 1-based): chr7:100,105,476, A>G. VCF-style: chr7-100105476-A-G. GRCh37 (hg19) VCF-style: chr7-99703099-A-G.
Other names: c.887A>G, p.Asp296Gly (NM_001363671.2); short protein forms D296G, D289G.
Identifiers: ClinVar variation 1359684 (VCV001359684.7), dbSNP rs1584516454, ClinGen allele CA368472571.

ClinVar aggregate classification (germline): Uncertain significance (1 of 4 stars; one submission).

Conditions:
Hereditary spastic paraplegia 50 (SPG50). Also called: Spastic paraplegia 50, autosomal recessive. Identifiers: Orphanet 280763, MedGen C2752008, MONDO:0013048, OMIM 612936.

Allele frequency attached by ClinVar (database versions not stated): gnomAD exomes below 0.00001.
gnomAD v4.1: 2 of 1,613,184 alleles (0.00012%); highest among the groups gnomAD compares: African/African-American, 0.0013%; no homozygotes.

Submission:

Labcorp Genetics (formerly Invitae), Labcorp
Classification: Uncertain significance for Hereditary spastic paraplegia 50. Last evaluated: 2024-08-12. Review status: criteria provided, single submitter. Criteria: Invitae Variant Classification Sherloc (09022015). Collection method: clinical testing. Allele origin: germline.
Comment: This sequence change replaces aspartic acid, which is acidic and polar, with glycine, which is neutral and non-polar, at codon 289 of the AP4M1 protein (p.Asp289Gly). This variant is not present in population databases (gnomAD no frequency). This variant has not been reported in the literature in individuals affected with AP4M1-related conditions. ClinVar contains an entry for this variant (Variation ID: 1359684). Advanced modeling of protein sequence and biophysical properties (such as structural, functional, and spatial information, amino acid conservation, physicochemical variation, residue mobility, and thermodynamic stability) performed at Invitae indicates that this missense variant is not expected to disrupt AP4M1 protein function with a negative predictive value of 80%. In summary, the available evidence is currently insufficient to determine the role of this variant in disease. Therefore, it has been classified as a Variant of Uncertain Significance.